The following is an entry in ClinVar:

ClinVar aggregate classification (germline): Uncertain significance (1 of 4 stars; one submission).

Conditions:
Fanconi anemia complementation group J. Also called: BRIP1-Related Fanconi Anemia. Identifiers: Orphanet 84, MedGen C1836860, MONDO:0012187, OMIM 609054.
Familial cancer of breast. Also called: BREAST CANCER, FAMILIAL; hereditary breast carcinoma; Hereditary breast cancer. Identifiers: Orphanet 227535, MedGen C0346153, MONDO:0016419, OMIM 114480. Disease mechanism: loss of function.

Submission:

Labcorp Genetics (formerly Invitae), Labcorp
Classification: Uncertain significance for Familial cancer of breast; Fanconi anemia complementation group J. Last evaluated: 2017-07-12. Review status: criteria provided, single submitter. Criteria: Invitae Variant Classification Sherloc (09022015). Collection method: clinical testing. Allele origin: germline.
Comment: This variant is an in-frame deletion of the genomic region encompassing exons 9-10 of the BRIP1 gene. It preserves the integrity of the reading frame. This variant has not been reported in the literature in individuals with BRIP1-related disease. Experimental studies and prediction algorithms are not available for this variant, and the functional significance of the deleted amino acids is currently unknown. In summary, the available evidence is currently insufficient to determine the role of this variant in disease. Therefore, it has been classified as a Variant of Uncertain Significance.

NC_000017.10:g.(?_59870952)_(59876666_?)del

Gene: BRIP1 (BRCA1 interacting DNA helicase 1; minus strand). Cytogenetic location: 17q23.2.
Variant type: Deletion.
Identifiers: ClinVar variation 461053 (VCV000461053.2).